The following is an entry in ClinVar:

NM_000038.6(APC):c.5919T>C (p.Ser1973=)

Gene: APC (APC regulator of Wnt signaling pathway; plus strand). Cytogenetic location: 5q22.2.
Variant type: single nucleotide variant.
Coding change: c.5919T>C on transcript NM_000038.6 (MANE Select); coding-DNA position 5919, T replaced by C.
Protein change: p.Ser1973=; no amino-acid change (serine 1973 retained).
Molecular consequence: synonymous variant.
Genome position (GRCh38, 1-based): chr5:112,841,513, T>C. VCF-style: chr5-112841513-T-C. GRCh37 (hg19) VCF-style: chr5-112177210-T-C.
Other names: c.5919T>C, p.Ser1973= (NM_001127510.3, NM_001354895.2); c.5865T>C, p.Ser1955= (NM_001127511.3); c.5973T>C, p.Ser1991= (NM_001354896.2); c.5949T>C, p.Ser1983= (NM_001354897.2); c.5844T>C, p.Ser1948= (NM_001354898.2); c.5835T>C, p.Ser1945= (NM_001354899.2); c.5796T>C, p.Ser1932= (NM_001354900.2); c.5742T>C, p.Ser1914= (NM_001354901.2); and 5 more.
Identifiers: ClinVar variation 1127118 (VCV001127118.11), dbSNP rs1580665628, ClinGen allele CA446209945.

ClinVar aggregate classification (germline): Benign/Likely benign. Review status: criteria provided, multiple submitters, no conflicts (2 of 4 stars). 2 submissions from 2 submitters: Benign (1); Likely benign (1). Last evaluated 2024-04-03.

Conditions:
Familial adenomatous polyposis 1 (FAP1). Also called: FAMILIAL ADENOMATOUS POLYPOSIS 1, ATTENUATED; POLYPOSIS, ADENOMATOUS INTESTINAL. Identifiers: MedGen C2713442, MONDO:0021056, OMIM 175100. Disease mechanism: loss of function.

Submissions (2):

Myriad Genetics, Inc.
Classification: Benign for Familial adenomatous polyposis 1. Last evaluated: 2024-04-03. Review status: criteria provided, single submitter. Criteria: Myriad Autosomal Dominant, Autosomal Recessive and X-Linked Classification Criteria (2023). Collection method: clinical testing. Allele origin: unknown.
Comment: This variant is considered benign. This variant is a silent/synonymous amino acid change and it is not expected to impact splicing.

Labcorp Genetics (formerly Invitae), Labcorp
Classification: Likely benign for Familial adenomatous polyposis 1. Last evaluated: 2020-06-12. Review status: criteria provided, single submitter. Criteria: Invitae Variant Classification Sherloc (09022015). Collection method: clinical testing. Allele origin: germline.